The following is an entry in ClinVar:

ClinVar aggregate classification (germline): Likely benign (1 of 4 stars; one submission).

Submission:

CeGaT Center for Human Genetics Tuebingen
Classification: Likely benign. Last evaluated: 2026-08-01. Review status: criteria provided, single submitter. Criteria: CeGaT Center For Human Genetics Tuebingen Variant Classification Criteria Version 2. Collection method: clinical testing. Allele origin: germline. Affected: yes. Observed: 1 variant allele.
Comment: ZFYVE16: PM2:Supporting, BP4, BP7

NM_001284236.3(ZFYVE16):c.1146G>A (p.Gly382=)

Gene: ZFYVE16 (zinc finger FYVE-type containing 16; plus strand). Cytogenetic location: 5q14.1.
Variant type: single nucleotide variant.
Coding change: c.1146G>A on transcript NM_001284236.3 (MANE Select); coding-DNA position 1146, G replaced by A.
Protein change: p.Gly382=; no amino-acid change (glycine 382 retained).
Molecular consequence: synonymous variant. On other transcripts: non-coding transcript variant (3).
Genome position (GRCh38, 1-based): chr5:80,437,831, G>A. VCF-style: chr5-80437831-G-A. GRCh37 (hg19) VCF-style: chr5-79733650-G-A.
Other names: c.1146G>A, p.Gly382= (NM_001105251.4, NM_001284237.2, NM_001349434.2 and 1 more transcripts).
Identifiers: ClinVar variation 5039329 (VCV005039329.1).